The following is an entry in ClinVar:

ClinVar aggregate classification (germline): Conflicting classifications of pathogenicity. Review status: criteria provided, conflicting classifications (1 of 4 stars). 4 submissions from 4 submitters: Uncertain significance (3); Benign (1). Last evaluated 2025-12-17.

Conditions:
Polyps, multiple and recurrent inflammatory fibroid, gastrointestinal. Identifiers: MedGen C5193005, MONDO:0008285, OMIM 175510.
PDGFRA-related disorder. Also called: PDGFRA-related condition.
Hereditary cancer-predisposing syndrome. Also called: Neoplastic Syndromes, Hereditary; Hereditary neoplastic syndrome; Hereditary Cancer Syndrome; Tumor predisposition. Identifiers: Orphanet 140162, MedGen C0027672, MeSH D009386, MONDO:0015356.
Gastrointestinal stromal tumor. Also called: Gastrointestinal stromal tumor, somatic; Gastrointestinal stroma tumor. Identifiers: Orphanet 44890, MedGen C0238198, MeSH D046152, MONDO:0011719, OMIM 606764, HP:0100723.

Allele frequency attached by ClinVar (database versions not stated): gnomAD exomes 0.00001; gnomAD 0.00005; TOPMed 0.00006.
gnomAD v4.1: 18 of 1,614,032 alleles (0.0011%); highest among the groups gnomAD compares: African/African-American, 0.021%; no homozygotes.

Submissions (4):

Labcorp Genetics (formerly Invitae), Labcorp
Classification: Uncertain significance for Gastrointestinal stromal tumor. Last evaluated: 2025-12-17. Review status: criteria provided, single submitter. Criteria: Invitae Variant Classification Sherloc (09022015). Collection method: clinical testing. Allele origin: germline.
Comment: This sequence change replaces glutamic acid, which is acidic and polar, with lysine, which is basic and polar, at codon 108 of the PDGFRA protein (p.Glu108Lys). This variant is present in population databases (no rsID available, gnomAD 0.02%). This variant has not been reported in the literature in individuals affected with PDGFRA-related conditions. ClinVar contains an entry for this variant (Variation ID: 240348). Invitae Evidence Modeling of protein sequence and biophysical properties (such as structural, functional, and spatial information, amino acid conservation, physicochemical variation, residue mobility, and thermodynamic stability) indicates that this missense variant is not expected to disrupt PDGFRA protein function with a negative predictive value of 80%. In summary, the available evidence is currently insufficient to determine the role of this variant in disease. Therefore, it has been classified as a Variant of Uncertain Significance.

PreventionGenetics, part of Exact Sciences
Classification: Uncertain significance for PDGFRA-related condition. Last evaluated: 2025-09-23. Review status: criteria provided, single submitter. Criteria: ACMG Guidelines, 2015. Collection method: clinical testing. Allele origin: germline.
Comment: The PDGFRA c.322G>A variant is predicted to result in the amino acid substitution p.Glu108Lys. To our knowledge, this variant has not been reported in the literature. This variant is reported in 0.020% of alleles in individuals of African descent in gnomAD. This variant has interpretations ranging from benign to uncertain in ClinVar (Variation ID: 240348). At this time, the clinical significance of this variant is uncertain due to the absence of conclusive functional and genetic evidence.

Ambry Genetics
Classification: Benign for Hereditary cancer-predisposing syndrome. Last evaluated: 2024-10-28. Review status: criteria provided, single submitter. Criteria: Ambry Variant Classification Scheme 2023. Collection method: clinical testing. Allele origin: germline.

Baylor Genetics
Classification: Uncertain significance for Polyps, multiple and recurrent inflammatory fibroid, gastrointestinal. Last evaluated: 2024-03-28. Review status: criteria provided, single submitter. Criteria: ACMG Guidelines, 2015. Collection method: clinical testing. Allele origin: unknown.

NM_006206.6(PDGFRA):c.322G>A (p.Glu108Lys)

Gene: PDGFRA (platelet derived growth factor receptor alpha; plus strand). Cytogenetic location: 4q12.
Variant type: single nucleotide variant.
Coding change: c.322G>A on transcript NM_006206.6 (MANE Select); coding-DNA position 322, G replaced by A.
Protein change: p.Glu108Lys; replaces glutamic acid 108 with lysine.
Molecular consequence: missense variant.
Genome position (GRCh38, 1-based): chr4:54,261,367, G>A. VCF-style: chr4-54261367-G-A. GRCh37 (hg19) VCF-style: chr4-55127534-G-A.
Other names: c.322G>A, p.Glu108Lys (NM_001347827.2, NM_001347829.2); c.397G>A, p.Glu133Lys (NM_001347828.2); c.361G>A, p.Glu121Lys (NM_001347830.2); c.322G>A (NM_006206.5); short protein forms E108K, E133K, E121K.
Identifiers: ClinVar variation 240348 (VCV000240348.14), dbSNP rs878854829, ClinGen allele CA10582229.
Genomic context (GRCh38, chr4:54,261,367, plus strand): 5'-AGCAGTGCCTCGGCGGCCCACACAGGGTTGTACACTTGCTATTACAACCACACTCAGACA[G>A]AAGAGAATGAGCTTGAAGGCAGGCACATTTACATCTATGTGCCAGGTGAGTTGGCTGGGT-3'
Protein context (NP_006197.1, residues 98-118): YTCYYNHTQT[Glu108Lys]ENELEGRHIY